The following is an entry in ClinVar:

NM_201548.5(CERKL):c.60G>A (p.Glu20=)

Gene: CERKL (CERK like autophagy regulator; minus strand). Cytogenetic location: 2q31.3.
Variant type: single nucleotide variant.
Coding change: c.60G>A on transcript NM_201548.5 (MANE Select); coding-DNA position 60, G replaced by A.
Protein change: p.Glu20=; no amino-acid change (glutamic acid 20 retained).
Molecular consequence: synonymous variant. On other transcripts: non-coding transcript variant (2).
Genome position (GRCh38, 1-based): chr2:181,656,947, C>T on the plus strand (G>A on the coding strand, the complement: CERKL is on the minus strand). VCF-style: chr2-181656947-C-T. GRCh37 (hg19) VCF-style: chr2-182521674-C-T.
Other names: c.60G>A, p.Glu20= (NM_001030311.3, NM_001030312.3, NM_001030313.3 and 1 more transcripts); c.60G>A (NM_001030311.2).
Identifiers: ClinVar variation 166851 (VCV000166851.16), dbSNP rs556744419, ClinGen allele CA233696.

ClinVar aggregate classification (germline): Conflicting classifications of pathogenicity. Review status: criteria provided, conflicting classifications (1 of 4 stars). 4 submissions from 4 submitters: Uncertain significance (1); Likely benign (3). Last evaluated 2025-12-28.

Conditions:
CERKL-related disorder. Also called: CERKL-related condition.

Allele frequency attached by ClinVar (database versions not stated): gnomAD exomes 0.00003 and 0.00005; ExAC 0.00006; 1000 Genomes Project 0.00020; gnomAD 0.00023 and 0.00025; 1000 Genomes Project 30x 0.00031; TOPMed 0.00033.
gnomAD v4.1: 80 of 1,586,744 alleles (0.005%); highest among the groups gnomAD compares: African/African-American, 0.1%; no homozygotes.

Submissions (4):

Labcorp Genetics (formerly Invitae), Labcorp
Classification: Likely benign. Last evaluated: 2025-12-28. Review status: criteria provided, single submitter. Criteria: Invitae Variant Classification Sherloc (09022015). Collection method: clinical testing. Allele origin: germline.

PreventionGenetics, part of Exact Sciences
Classification: Likely benign for CERKL-related condition. Last evaluated: 2025-10-13. Review status: criteria provided, single submitter. Criteria: ACMG Guidelines, 2015. Collection method: clinical testing. Allele origin: germline.
Comment: This variant is classified as likely benign based on ACMG/AMP sequence variant interpretation guidelines (Richards et al. 2015 PMID: 25741868, with internal and published modifications).

Blueprint Genetics
Classification: Likely benign. Last evaluated: 2021-09-21. Review status: criteria provided, single submitter. Criteria: ACMG Guidelines, 2015. Collection method: clinical testing. Allele origin: germline.

Eurofins Ntd Llc (ga)
Classification: Uncertain significance. Last evaluated: 2014-04-29. Review status: criteria provided, single submitter. Criteria: EGL Classification Definitions 2015. Collection method: clinical testing. Allele origin: germline. Observed: 1 variant allele, 1 heterozygote.